The following is an entry in ClinVar:

ClinVar aggregate classification (germline): Pathogenic (1 of 4 stars; one submission).

Conditions:
Hereditary cancer-predisposing syndrome. Also called: Neoplastic Syndromes, Hereditary; Tumor predisposition; Hereditary neoplastic syndrome; Hereditary Cancer Syndrome. Identifiers: Orphanet 140162, MedGen C0027672, MeSH D009386, MONDO:0015356.
Cardiovascular phenotype. Identifiers: MedGen CN230736.

Submission:

Ambry Genetics
Classification: Pathogenic for Cardiovascular phenotype; Hereditary cancer-predisposing syndrome. Last evaluated: 2023-06-04. Review status: criteria provided, single submitter. Criteria: Ambry Variant Classification Scheme 2023. Collection method: clinical testing. Allele origin: germline.
Comment: The p.Y297* variant (also known as c.891T>G), located in coding exon 9 of the LZTR1 gene, results from a T to G substitution at nucleotide position 891. This changes the amino acid from a tyrosine to a stop codon within coding exon 9. This alteration has been observed in an individual with schwannomatosis (Louvrier C et al. Neuro Oncol, 2018 Jun;20:917-929). This alteration is expected to result in loss of function by premature protein truncation or nonsense-mediated mRNA decay. Loss-of-function variants in LZTR1 are related to an increased risk for schwannomas and autosomal recessive Noonan syndrome; however, such associations with autosomal dominant Noonan syndrome have not been observed (Piotrowski A et al. Nat Genet. 2014 Feb;46:182-7; Yamamoto GL et al. J Med Genet. 2015 Jun;52:413-21; Johnston JJ et al. Genet Med. 2018 10;20:1175-1185). Based on the supporting evidence, this variant is pathogenic for an increased risk of LZTR1-related schwannomatosis (SWN) and would be expected to cause autosomal recessive Noonan syndrome when present along with a second pathogenic or likely pathogenic variant on the other allele; however, the association of this alteration with autosomal dominant Noonan syndrome is unlikely.

NM_006767.4(LZTR1):c.891T>G (p.Tyr297Ter)

Gene: LZTR1 (leucine zipper like post translational regulator 1; plus strand). Cytogenetic location: 22q11.21.
Variant type: single nucleotide variant.
Coding change: c.891T>G on transcript NM_006767.4 (MANE Select); coding-DNA position 891, T replaced by G.
Protein change: p.Tyr297Ter; replaces tyrosine 297 with a stop codon.
Molecular consequence: nonsense.
Genome position (GRCh38, 1-based): chr22:20,991,727, T>G. VCF-style: chr22-20991727-T-G. GRCh37 (hg19) VCF-style: chr22-21346016-T-G.
Other names: short protein forms Y297*.
Identifiers: ClinVar variation 3238364 (VCV003238364.1), dbSNP rs145955180.